The following is an entry in ClinVar:

NM_005751.5(AKAP9):c.7665dup (p.Val2556fs)

Gene: AKAP9 (A-kinase anchoring protein 9; plus strand). Cytogenetic location: 7q21.2.
Variant type: Duplication.
Coding change: c.7665dup on transcript NM_005751.5 (MANE Select); coding-DNA position 7665, one base duplicated (T; older notation c.7665dupT).
Protein change: p.Val2556fs; shifts the reading frame from valine 2556.
Molecular consequence: frameshift variant.
Genome position (GRCh38, 1-based): chr7:92,079,798, T duplicated; the last of 2 consecutive T bases (chr7:92,079,797-92,079,798); duplicating either gives the same sequence. VCF-style (leftmost placement, unchanged base first): chr7-92079796-C-CT. GRCh37 (hg19) VCF-style: chr7-91709110-C-CT.
Other names: c.2310dup, p.Val771fs (NM_001379277.1); c.7641dup, p.Val2548fs (NM_147185.3); c.7665dupT (NM_005751.4); short protein forms V2556fs, V771fs, V2548fs.
Identifiers: ClinVar variation 3516206 (VCV003516206.1).

ClinVar aggregate classification (germline): Uncertain significance (1 of 4 stars; one submission).

Conditions:
Cardiovascular phenotype. Identifiers: MedGen CN230736.

Submission:

Ambry Genetics
Classification: Uncertain significance for Cardiovascular phenotype. Last evaluated: 2024-08-02. Review status: criteria provided, single submitter. Criteria: Ambry Variant Classification Scheme 2023. Collection method: clinical testing. Allele origin: germline.
Comment: The c.7665dupT variant, located in coding exon 31 of the AKAP9 gene, results from a duplication of T at nucleotide position 7665, causing a translational frameshift with a predicted alternate stop codon (p.V2556Cfs*7). This alteration is expected to result in protein truncation or nonsense-mediated mRNA decay. However, loss of function of AKAP9 has not been established as a mechanism of disease. The evidence for this gene-disease relationship is limited; therefore, the clinical significance of this alteration is unclear.